The following is an entry in ClinVar:

NM_152383.5(DIS3L2):c.1195C>G (p.Leu399Val)

Gene: DIS3L2 (DIS3 like 3'-5' exoribonuclease 2; plus strand). Cytogenetic location: 2q37.1.
Variant type: single nucleotide variant.
Coding change: c.1195C>G on transcript NM_152383.5 (MANE Select); coding-DNA position 1195, C replaced by G.
Protein change: p.Leu399Val; replaces leucine 399 with valine.
Molecular consequence: missense variant. On other transcripts: non-coding transcript variant (2).
Genome position (GRCh38, 1-based): chr2:232,210,396, C>G. VCF-style: chr2-232210396-C-G. GRCh37 (hg19) VCF-style: chr2-233075106-C-G.
Other names: c.1195C>G, p.Leu399Val (NM_001257281.2); short protein forms L399V.
Identifiers: ClinVar variation 1387839 (VCV001387839.6), dbSNP rs1692155006, ClinGen allele CA351154122.

ClinVar aggregate classification (germline): Uncertain significance (1 of 4 stars; one submission).

Conditions:
Perlman syndrome (PRLMNS). Identifiers: Orphanet 2849, MedGen C0796113, MONDO:0009965, OMIM 267000.

gnomAD v4.1: 4 of 1,613,422 alleles (0.00025%); highest among the groups gnomAD compares: African/African-American, 0.004%; no homozygotes.

Submission:

Labcorp Genetics (formerly Invitae), Labcorp
Classification: Uncertain significance for Perlman syndrome. Last evaluated: 2021-07-29. Review status: criteria provided, single submitter. Criteria: Invitae Variant Classification Sherloc (09022015). Collection method: clinical testing. Allele origin: germline.
Comment: In summary, the available evidence is currently insufficient to determine the role of this variant in disease. Therefore, it has been classified as a Variant of Uncertain Significance. Algorithms developed to predict the effect of sequence changes on RNA splicing suggest that this variant may create or strengthen a splice site. Algorithms developed to predict the effect of missense changes on protein structure and function output the following: SIFT: "Deleterious"; PolyPhen-2: "Benign"; Align-GVGD: "Class C0". The valine amino acid residue is found in multiple mammalian species, which suggests that this missense change does not adversely affect protein function. This variant has not been reported in the literature in individuals affected with DIS3L2-related conditions. This variant is not present in population databases (ExAC no frequency). This sequence change replaces leucine with valine at codon 399 of the DIS3L2 protein (p.Leu399Val). The leucine residue is highly conserved and there is a small physicochemical difference between leucine and valine.